The following is an entry in ClinVar:

ClinVar aggregate classification (germline): Likely benign. Review status: criteria provided, multiple submitters, no conflicts (2 of 4 stars). 4 submissions from 4 submitters: Likely benign (4). Last evaluated 2023-03-13.

Conditions:
Nicolaides-Baraitser syndrome (NCBRS). Also called: SMARCA2-Related Nicolaides-Baraitser Syndrome; Intellectual disability-sparse hair-brachydactyly syndrome. Identifiers: Orphanet 3051, MedGen C1303073, MONDO:0011053, OMIM 601358.
Inborn genetic diseases. Identifiers: MedGen C0950123, MeSH D030342.

Allele frequency attached by ClinVar (database versions not stated): TOPMed 0.00009.
gnomAD v4.1: 108 of 1,613,598 alleles (0.0067%); highest among the groups gnomAD compares: Middle Eastern, 0.066%; no homozygotes.

Submissions (4):

Blueprint Genetics
Classification: Likely benign. Last evaluated: 2023-03-13. Review status: criteria provided, single submitter. Criteria: ACMG Guidelines, 2015. Collection method: clinical testing. Allele origin: germline.

CeGaT Center for Human Genetics Tuebingen
Classification: Likely benign. Last evaluated: 2022-06-01. Review status: criteria provided, single submitter. Criteria: CeGaT Center For Human Genetics Tuebingen Variant Classification Criteria Version 2. Collection method: clinical testing. Allele origin: germline. Affected: yes. Observed: 2 variant alleles.
Comment: SMARCA2: BP4

Ambry Genetics
Classification: Likely benign for Inborn genetic diseases. Last evaluated: 2021-09-01. Review status: criteria provided, single submitter. Criteria: Ambry Variant Classification Scheme 2023. Collection method: clinical testing. Allele origin: germline.

Illumina Laboratory Services, Illumina
Classification: Likely benign for Nicolaides-Baraitser syndrome. Last evaluated: 2018-01-12. Review status: criteria provided, single submitter. Criteria: ICSL Variant Classification Criteria 13 December 2019. Collection method: clinical testing. Allele origin: germline.
Comment: This variant was observed in the ICSL laboratory as part of a predisposition screen in an ostensibly healthy population. It had not been previously curated by ICSL or reported in the Human Gene Mutation Database (HGMD: prior to June 1st, 2018), and was therefore a candidate for classification through an automated scoring system. Utilizing variant allele frequency, disease prevalence and penetrance estimates, and inheritance mode, an automated score was calculated to assess if this variant is too frequent to cause the disease. Based on the score and internal cut-off values, a variant classified as likely benign is not then subjected to further curation. The score for this variant resulted in a classification of likely benign for this disease.

NM_003070.5(SMARCA2):c.750A>T (p.Gln250His)

Gene: SMARCA2 (SWI/SNF related BAF chromatin remodeling complex subunit ATPase 2; plus strand). Cytogenetic location: 9p24.3.
Variant type: single nucleotide variant.
Coding change: c.750A>T on transcript NM_003070.5 (MANE Select); coding-DNA position 750, A replaced by T.
Protein change: p.Gln250His; replaces glutamine 250 with histidine.
Molecular consequence: missense variant.
Genome position (GRCh38, 1-based): chr9:2,039,860, A>T. VCF-style: chr9-2039860-A-T. GRCh37 (hg19) VCF-style: chr9-2039860-A-T.
Other names: c.750A>T, p.Gln250His (NM_001289396.2, NM_001289397.2, NM_139045.4); short protein forms Q250H.
Identifiers: ClinVar variation 913313 (VCV000913313.29), dbSNP rs62639302, ClinGen allele CA4962992.